The following is an entry in ClinVar:

NM_001999.4(FBN2):c.4258A>G (p.Ser1420Gly)

Gene: FBN2 (fibrillin 2; minus strand). Cytogenetic location: 5q23.3.
Variant type: single nucleotide variant.
Coding change: c.4258A>G on transcript NM_001999.4 (MANE Select); coding-DNA position 4258, A replaced by G.
Protein change: p.Ser1420Gly; replaces serine 1420 with glycine.
Molecular consequence: missense variant.
Genome position (GRCh38, 1-based): chr5:128,330,660, T>C on the plus strand (A>G on the coding strand, the complement: FBN2 is on the minus strand). VCF-style: chr5-128330660-T-C. GRCh37 (hg19) VCF-style: chr5-127666352-T-C.
Other names: short protein forms S1420G.
Identifiers: ClinVar variation 519838 (VCV000519838.13), dbSNP rs1407868144, ClinGen allele CA360754141.

ClinVar aggregate classification (germline): Uncertain significance. Review status: criteria provided, multiple submitters, no conflicts (2 of 4 stars). 3 submissions from 3 submitters: Uncertain significance (3). Last evaluated 2025-11-03.

Conditions:
Macular degeneration, early-onset (EOMD). Identifiers: MedGen C4015286, MONDO:0014501, OMIM 616118.
Congenital contractural arachnodactyly (CCA). Also called: BEALS SYNDROME; Beals-Hecht syndrome; Arthrogryposis, distal, type 9. Identifiers: Orphanet 115, MedGen C0220668, MONDO:0007363, OMIM 121050.
Familial thoracic aortic aneurysm and aortic dissection (TAAD). Also called: Thoracic aortic aneurysms and dissections. Identifiers: Orphanet 91387, MedGen C4707243, MONDO:0019625.

Allele frequency attached by ClinVar (database versions not stated): gnomAD 0.00001; gnomAD exomes 0.00001; TOPMed 0.00001.
gnomAD v4.1: 10 of 1,613,802 alleles (0.00062%); highest among the groups gnomAD compares: African/African-American, 0.0013%; no homozygotes.

Submissions (3):

Labcorp Genetics (formerly Invitae), Labcorp
Classification: Uncertain significance for Congenital contractural arachnodactyly. Last evaluated: 2025-11-03. Review status: criteria provided, single submitter. Criteria: Invitae Variant Classification Sherloc (09022015). Collection method: clinical testing. Allele origin: germline.
Comment: This sequence change replaces serine, which is neutral and polar, with glycine, which is neutral and non-polar, at codon 1420 of the FBN2 protein (p.Ser1420Gly). This variant is not present in population databases (gnomAD no frequency). This variant has not been reported in the literature in individuals affected with FBN2-related conditions. ClinVar contains an entry for this variant (Variation ID: 519838). Invitae Evidence Modeling of protein sequence and biophysical properties (such as structural, functional, and spatial information, amino acid conservation, physicochemical variation, residue mobility, and thermodynamic stability) indicates that this missense variant is not expected to disrupt FBN2 protein function with a negative predictive value of 80%. In summary, the available evidence is currently insufficient to determine the role of this variant in disease. Therefore, it has been classified as a Variant of Uncertain Significance.

Ambry Genetics
Classification: Uncertain significance for Familial thoracic aortic aneurysm and aortic dissection. Last evaluated: 2025-07-08. Review status: criteria provided, single submitter. Criteria: Ambry Variant Classification Scheme 2023. Collection method: clinical testing. Allele origin: germline.
Comment: The p.S1420G variant (also known as c.4258A>G), located in coding exon 33 of the FBN2 gene, results from an A to G substitution at nucleotide position 4258. The serine at codon 1420 is replaced by glycine, an amino acid with similar properties, and is located in the cbEGF-like #20 domain. This amino acid position is not well conserved in available vertebrate species. In addition, the in silico prediction for this alteration is inconclusive. Based on the available evidence, the clinical significance of this variant remains unclear.

Department of Pathology and Laboratory Medicine, Sinai Health System
Classification: Uncertain significance for Congenital contractural arachnodactyly; Macular degeneration, early-onset. Last evaluated: 2022-08-15. Review status: criteria provided, single submitter. Criteria: ACMG Guidelines, 2015. Collection method: research. Allele origin: germline.